The following is an entry in ClinVar:

NM_004628.5(XPC):c.2215GAG[1] (p.Glu740del)

Gene: XPC (XPC complex subunit, DNA damage recognition and repair factor; minus strand). Cytogenetic location: 3p25.1.
Variant type: Microsatellite.
Coding change: c.2215GAG[1] on transcript NM_004628.5 (MANE Select); one copy of the 3-base unit GAG starting at c.2215; the reference has two copies in a row; one copy, 3 bases deleted.
Protein change: p.Glu740del; deletes glutamic acid 740.
Molecular consequence: inframe deletion. On other transcripts: non-coding transcript variant (2).
Genome position (GRCh38, 1-based): chr3:14,148,844-14,148,846, CTC deleted on the plus strand (GAG on the coding strand, the reverse complement: XPC is on the minus strand); deleting any 3 consecutive bases within chr3:14,148,844-14,148,849 gives the same sequence; the position shown is the placement nearest the transcript's 3' end. VCF-style (leftmost placement, unchanged base first): chr3-14148843-ACTC-A. GRCh37 (hg19) VCF-style: chr3-14190343-ACTC-A.
Other names: c.1636GAG[1], p.Glu547del (NM_001354726.2); c.2209GAG[1], p.Glu738del (NM_001354727.2); c.2197GAG[1], p.Glu734del (NM_001354729.2); c.1969GAG[1], p.Glu658del (NM_001354730.2); c.2218_2220delGAG (NM_004628.4); short protein forms E740del, E734del, E738del, E547del, E658del.
Identifiers: ClinVar variation 558466 (VCV000558466.4), dbSNP rs776958968, ClinGen allele CA2267230.

ClinVar aggregate classification (germline): Uncertain significance (1 of 4 stars; one submission).

Conditions:
Xeroderma pigmentosum, group C (XPC). Also called: Xeroderma pigmentosum, complementation group C; XPC-Related Xeroderma Pigmentosum; XERODERMA PIGMENTOSUM III; XP, GROUP C. Identifiers: Orphanet 910, MedGen C2752147, MONDO:0010211, OMIM 278720.

Submission:

Myriad Genetics, Inc.
Classification: Uncertain significance for Xeroderma pigmentosum, group C. Last evaluated: 2021-11-16. Review status: criteria provided, single submitter. Criteria: Myriad Women's Health Autosomal Recessive and X-Linked Classification Criteria (2021). Collection method: clinical testing. Allele origin: unknown.
Comment: NM_004628.4(XPC):c.2218_2220delGAG(E740del) is an in-frame deletion variant classified as a variant of uncertain significance in the context of xeroderma pigmentosum group C. E740del has been observed in cases with relevant disease (PMID: 29696685). Functional assessments of this variant are not available in the literature. E740del has been observed in population frequency databases (gnomAD: EAS 0.01%). In summary, there is insufficient evidence to classify NM_004628.4(XPC):c.2218_2220delGAG(E740del) as pathogenic or benign. Please note: this variant was assessed in the context of healthy population screening.

Literature cited by the submitters: PubMed 29696685.